The following is an entry in ClinVar:

ClinVar aggregate classification (germline): Uncertain significance. Review status: criteria provided, multiple submitters, no conflicts (2 of 4 stars). 2 submissions from 2 submitters: Uncertain significance (2). Last evaluated 2021-07-13.

Conditions:
Rothmund-Thomson syndrome type 2 (RTS2). Identifiers: Orphanet 221016, MedGen C5203410, MONDO:0016369, OMIM 268400.

Allele frequency attached by ClinVar (database versions not stated): TOPMed 0.00003.
gnomAD v4.1: 26 of 1,607,730 alleles (0.0016%); highest among the groups gnomAD compares: Admixed American, 0.012%; no homozygotes.

Submissions (2):

Baylor Genetics
Classification: Uncertain significance for Rothmund-Thomson syndrome type 2. Last evaluated: 2021-07-13. Review status: criteria provided, single submitter. Criteria: ACMG Guidelines, 2015. Collection method: clinical testing. Allele origin: unknown. Affected: yes. Study: CSER-TexasKidsCanSeq.
Comment: This variant was determined to be of uncertain significance according to ACMG Guidelines, 2015 [PMID:25741868].

Breakthrough Genomics
Classification: Uncertain significance. Review status: criteria provided, single submitter. Criteria: ACMG Guidelines, 2015. Collection method: not provided. Allele origin: germline. Inheritance: Autosomal recessive inheritance. Affected: yes.

NM_004260.4(RECQL4):c.2296C>T (p.Arg766Trp)

Gene: RECQL4 (RecQ like helicase 4; minus strand). Cytogenetic location: 8q24.3.
Variant type: single nucleotide variant.
Coding change: c.2296C>T on transcript NM_004260.4 (MANE Select); coding-DNA position 2296, C replaced by T.
Protein change: p.Arg766Trp; replaces arginine 766 with tryptophan.
Molecular consequence: missense variant.
Genome position (GRCh38, 1-based): chr8:144,513,385, G>A on the plus strand (C>T on the coding strand, the complement: RECQL4 is on the minus strand). VCF-style: chr8-144513385-G-A. GRCh37 (hg19) VCF-style: chr8-145738769-G-A.
Other names: short protein forms R766W.
Identifiers: ClinVar variation 658248 (VCV000658248.5), dbSNP rs1586802958, ClinGen allele CA4948346.
Genomic context (GRCh38, chr8:144,513,385, plus strand): 5'-CAGCCCGCACATCTGGCCGGTCCAGCCCCATCCCAAAGGCCACCGTGGCCACCACCACCC[G>A]CAACTGGCCCTGCATGAAGGCTCGCTGTACCCGCCGCCGTTCCCGGCTGCACATGCCCGC-3'
Protein context (NP_004251.4, residues 756-776): VQRAFMQGQL[Arg766Trp]VVVATVAFGM